The following is an entry in ClinVar:

NM_004260.4(RECQL4):c.1474A>G (p.Ile492Val)

Gene: RECQL4 (RecQ like helicase 4; minus strand). Cytogenetic location: 8q24.3.
Variant type: single nucleotide variant.
Coding change: c.1474A>G on transcript NM_004260.4 (MANE Select); coding-DNA position 1474, A replaced by G.
Protein change: p.Ile492Val; replaces isoleucine 492 with valine.
Molecular consequence: missense variant.
Genome position (GRCh38, 1-based): chr8:144,515,159, T>C on the plus strand (A>G on the coding strand, the complement: RECQL4 is on the minus strand). VCF-style: chr8-144515159-T-C. GRCh37 (hg19) VCF-style: chr8-145740543-T-C.
Other names: short protein forms I492V.
Identifiers: ClinVar variation 565834 (VCV000565834.6), dbSNP rs1564802069, ClinGen allele CA372684523.

ClinVar aggregate classification (germline): Uncertain significance. Review status: criteria provided, multiple submitters, no conflicts (2 of 4 stars). 2 submissions from 2 submitters: Uncertain significance (2). Last evaluated 2024-12-12.

Conditions:
Baller-Gerold syndrome (BGS). Also called: CRANIOSYNOSTOSIS WITH RADIAL DEFECTS. Identifiers: Orphanet 1225, MedGen C0265308, MONDO:0009039, OMIM 218600.
Inborn genetic diseases. Identifiers: MedGen C0950123, MeSH D030342.

Allele frequency attached by ClinVar (database versions not stated): gnomAD exomes below 0.00001.

Submissions (2):

Ambry Genetics
Classification: Uncertain significance for Inborn genetic diseases. Last evaluated: 2024-12-12. Review status: criteria provided, single submitter. Criteria: Ambry Variant Classification Scheme 2023. Collection method: clinical testing. Allele origin: germline.
Comment: The p.I492V variant (also known as c.1474A>G), located in coding exon 8 of the RECQL4 gene, results from an A to G substitution at nucleotide position 1474. The isoleucine at codon 492 is replaced by valine, an amino acid with highly similar properties. This amino acid position is conserved. In addition, this alteration is predicted to be tolerated by in silico analysis. Based on the available evidence, the clinical significance of this variant remains unclear.

Labcorp Genetics (formerly Invitae), Labcorp
Classification: Uncertain significance for Baller-Gerold syndrome. Last evaluated: 2024-01-07. Review status: criteria provided, single submitter. Criteria: Invitae Variant Classification Sherloc (09022015). Collection method: clinical testing. Allele origin: germline.
Comment: This sequence change replaces isoleucine, which is neutral and non-polar, with valine, which is neutral and non-polar, at codon 492 of the RECQL4 protein (p.Ile492Val). This variant is not present in population databases (gnomAD no frequency). This variant has not been reported in the literature in individuals affected with RECQL4-related conditions. ClinVar contains an entry for this variant (Variation ID: 565834). Advanced modeling of protein sequence and biophysical properties (such as structural, functional, and spatial information, amino acid conservation, physicochemical variation, residue mobility, and thermodynamic stability) performed at Invitae indicates that this missense variant is not expected to disrupt RECQL4 protein function with a negative predictive value of 80%. Algorithms developed to predict the effect of sequence changes on RNA splicing suggest that this variant may disrupt the consensus splice site. In summary, the available evidence is currently insufficient to determine the role of this variant in disease. Therefore, it has been classified as a Variant of Uncertain Significance.